The following is an entry in ClinVar:

ClinVar aggregate classification (germline): Likely benign. Review status: criteria provided, multiple submitters, no conflicts (2 of 4 stars). 3 submissions from 3 submitters: Likely benign (3). Last evaluated 2025-06-10.

Allele frequency attached by ClinVar (database versions not stated): gnomAD exomes below 0.00001.

Submissions (3):

Mayo Clinic Laboratories, Mayo Clinic
Classification: Likely benign. Last evaluated: 2025-06-10. Review status: criteria provided, single submitter. Criteria: ACMG Guidelines, 2015. Collection method: clinical testing. Allele origin: germline. Observed: 1 variant allele.
Comment: BP4, BP7, PM2_supporting

Labcorp Genetics (formerly Invitae), Labcorp
Classification: Likely benign. Last evaluated: 2024-10-30. Review status: criteria provided, single submitter. Criteria: Invitae Variant Classification Sherloc (09022015). Collection method: clinical testing. Allele origin: germline.

Blueprint Genetics
Classification: Likely benign. Last evaluated: 2022-10-05. Review status: criteria provided, single submitter. Criteria: ACMG Guidelines, 2015. Collection method: clinical testing. Allele origin: germline.

NM_033004.4(NLRP1):c.1773C>T (p.Leu591=)

Gene: NLRP1 (NLR family pyrin domain containing 1; minus strand). Cytogenetic location: 17p13.2.
Variant type: single nucleotide variant.
Coding change: c.1773C>T on transcript NM_033004.4 (MANE Select); coding-DNA position 1773, C replaced by T.
Protein change: p.Leu591=; no amino-acid change (leucine 591 retained).
Molecular consequence: synonymous variant.
Genome position (GRCh38, 1-based): chr17:5,558,923, G>A on the plus strand (C>T on the coding strand, the complement: NLRP1 is on the minus strand). VCF-style: chr17-5558923-G-A. GRCh37 (hg19) VCF-style: chr17-5462243-G-A.
Other names: p.Leu591=; c.1773C>T, p.Leu591= (NM_001033053.3, NM_014922.5, NM_033006.4 and 1 more transcripts).
Identifiers: ClinVar variation 2900964 (VCV002900964.5), dbSNP rs1914422877, ClinGen allele CA497686141.
Genomic context (GRCh38, chr17:5,558,923, plus strand): 5'-TTGAAGAATACCCATCTTCAAGAAGGTGGAGATGATGGCCCCATCTAACCCATGCTTCCT[G>A]AGGTCATCTGGACTGAAAAGGGTCTTTTTTTGCCAGATGCCCTCAGCAGCCAGAGAGCAG-3'
Protein context (NP_127497.1, residues 581-601): QKKTLFSPDD[Leu591=]RKHGLDGAII